The following is an entry in ClinVar:

NM_133369.3(UNC5A):c.942C>T (p.Val314=)

Gene: UNC5A (unc-5 netrin receptor A; plus strand). Cytogenetic location: 5q35.2.
Variant type: single nucleotide variant.
Coding change: c.942C>T on transcript NM_133369.3 (MANE Select); coding-DNA position 942, C replaced by T.
Protein change: p.Val314=; no amino-acid change (valine 314 retained).
Molecular consequence: synonymous variant.
Genome position (GRCh38, 1-based): chr5:176,874,023, C>T. VCF-style: chr5-176874023-C-T. GRCh37 (hg19) VCF-style: chr5-176301024-C-T.
Identifiers: ClinVar variation 3058054 (VCV003058054.2), dbSNP rs1214117265, ClinGen allele CA447956686.

ClinVar aggregate classification (germline): Likely benign (0 of 4 stars; one submission).

Conditions:
UNC5A-related disorder. Also called: UNC5A-related condition.

Allele frequency attached by ClinVar (database versions not stated): gnomAD exomes below 0.00001; TOPMed 0.00001.
gnomAD v4.1: 2 of 1,614,090 alleles (0.00012%); highest among the groups gnomAD compares: East Asian, 0.0045%; no homozygotes.

Submission:

PreventionGenetics, part of Exact Sciences
Classification: Likely benign for UNC5A-related condition. Last evaluated: 2021-06-22. Review status: no assertion criteria provided. Collection method: clinical testing. Allele origin: germline.
Comment: This variant is classified as likely benign based on ACMG/AMP sequence variant interpretation guidelines (Richards et al. 2015 PMID: 25741868, with internal and published modifications).